The following is an entry in ClinVar:

ClinVar aggregate classification (germline): Likely pathogenic (1 of 4 stars; one submission).

Conditions:
Polycystic kidney disease 4 (PKD4). Also called: POLYCYSTIC KIDNEY DISEASE 4 WITH OR WITHOUT POLYCYSTIC LIVER DISEASE; POLYCYSTIC KIDNEY AND HEPATIC DISEASE 1; POLYCYSTIC KIDNEY DISEASE, INFANTILE, TYPE I; PKD3; Autosomal Recessive Polycystic Kidney Disease – PKHD1. Identifiers: MedGen C4540575, MONDO:0033004, OMIM 263200.

Submission:

Juno Genomics, Hangzhou Juno Genomics, Inc
Classification: Likely pathogenic for Polycystic kidney disease 4. Review status: criteria provided, single submitter. Criteria: ACMG Guidelines, 2015. Collection method: clinical testing. Allele origin: germline.
Comment: Null variant in a gene where loss of function (LOF) is a known mechanism of disease.;Absent from controls (or at extremely low frequency if recessive) in Genome Aggregation Database.

NM_138694.4(PKHD1):c.7532C>G (p.Ser2511Ter)

Gene: PKHD1 (PKHD1 ciliary IPT domain containing fibrocystin/polyductin; minus strand). Cytogenetic location: 6p12.2.
Variant type: single nucleotide variant.
Coding change: c.7532C>G on transcript NM_138694.4 (MANE Select); coding-DNA position 7532, C replaced by G.
Protein change: p.Ser2511Ter; replaces serine 2511 with a stop codon.
Molecular consequence: nonsense.
Genome position (GRCh38, 1-based): chr6:51,868,064, G>C on the plus strand (C>G on the coding strand, the complement: PKHD1 is on the minus strand). VCF-style: chr6-51868064-G-C. GRCh37 (hg19) VCF-style: chr6-51732862-G-C.
Other names: c.7532C>G, p.Ser2511Ter (NM_170724.3); short protein forms S2511*.
Identifiers: ClinVar variation 5007078 (VCV005007078.2).